The following is an entry in ClinVar:

ClinVar aggregate classification (germline): Uncertain significance (1 of 4 stars; one submission).

Conditions:
Short-rib thoracic dysplasia 14 with polydactyly (SRTD14). Identifiers: Orphanet 397715, MedGen C4225286, MONDO:0014688, OMIM 616546.
Joubert syndrome 23 (JBTS23). Identifiers: Orphanet 475, MedGen C4084822, MONDO:0014664, OMIM 616490.

Submission:

Labcorp Genetics (formerly Invitae), Labcorp
Classification: Uncertain significance for Joubert syndrome 23; Short-rib thoracic dysplasia 14 with polydactyly. Last evaluated: 2022-06-09. Review status: criteria provided, single submitter. Criteria: Invitae Variant Classification Sherloc (09022015). Collection method: clinical testing. Allele origin: germline.
Comment: In summary, the available evidence is currently insufficient to determine the role of this variant in disease. Therefore, it has been classified as a Variant of Uncertain Significance. Algorithms developed to predict the effect of sequence changes on RNA splicing suggest that this variant may create or strengthen a splice site. This variant has not been reported in the literature in individuals affected with KIAA0586-related conditions. This variant is not present in population databases (gnomAD no frequency). This sequence change falls in intron 20 of the KIAA0586 gene. It does not directly change the encoded amino acid sequence of the KIAA0586 protein.

NM_001329943.3(KIAA0586):c.2634+10C>G

Gene: KIAA0586 (KIAA0586; plus strand). Cytogenetic location: 14q23.1.
Variant type: single nucleotide variant.
Coding change: c.2634+10C>G on transcript NM_001329943.3 (MANE Select); 10 bases into the intron after coding-DNA position 2634, C replaced by G.
Molecular consequence: intron variant.
Genome position (GRCh38, 1-based): chr14:58,472,289, C>G. VCF-style: chr14-58472289-C-G. GRCh37 (hg19) VCF-style: chr14-58939007-C-G.
Other names: c.2793+10C>G (NM_001244189.2); c.2589+10C>G (NM_001244190.2); c.2502+10C>G (NM_001244192.2); c.2379+10C>G (NM_001244191.2, NM_001364701.2, NM_001329945.2 and 1 more transcripts); c.2634+10C>G (NM_001329944.2, NM_001329946.2, NM_001329947.2); c.2406+10C>G (NM_014749.5); c.2214+10C>G (NM_001244193.2).
Identifiers: ClinVar variation 2003843 (VCV002003843.4), dbSNP rs2543376325, ClinGen allele CA2580088296.